The following is an entry in ClinVar:

NM_021096.4(CACNA1I):c.3579G>C (p.Gln1193His)

Gene: CACNA1I (calcium voltage-gated channel subunit alpha1 I; plus strand). Cytogenetic location: 22q13.1.
Variant type: single nucleotide variant.
Coding change: c.3579G>C on transcript NM_021096.4 (MANE Select); coding-DNA position 3579, G replaced by C.
Protein change: p.Gln1193His; replaces glutamine 1193 with histidine.
Molecular consequence: missense variant.
Genome position (GRCh38, 1-based): chr22:39,663,823, G>C. VCF-style: chr22-39663823-G-C. GRCh37 (hg19) VCF-style: chr22-40059828-G-C.
Other names: c.3579G>C (NM_021096.3); c.3474G>C, p.Gln1158His (NM_001003406.2); short protein forms Q1158H, Q1193H.
Identifiers: ClinVar variation 2653159 (VCV002653159.25), dbSNP rs58500586, ClinGen allele CA10244432.

ClinVar aggregate classification (germline): Benign/Likely benign. Review status: criteria provided, multiple submitters, no conflicts (2 of 4 stars). 2 submissions from 2 submitters: Benign (1); Likely benign (1). Last evaluated 2026-03-01.

Conditions:
CACNA1I-related disorder. Also called: CACNA1I-related condition.

Allele frequency attached by ClinVar (database versions not stated): 1000 Genomes Project 30x 0.00078; 1000 Genomes Project 0.00080; TOPMed 0.00307; gnomAD 0.00318; ESP Exome Variant Server 0.00370.
gnomAD v4.1: 6,306 of 1,613,676 alleles (0.39%); highest among the groups gnomAD compares: Non-Finnish European, 0.4%; 38 homozygotes.

Submissions (2):

CeGaT Center for Human Genetics Tuebingen
Classification: Likely benign. Last evaluated: 2026-03-01. Review status: criteria provided, single submitter. Criteria: CeGaT Center For Human Genetics Tuebingen Variant Classification Criteria Version 2. Collection method: clinical testing. Allele origin: germline. Affected: yes. Observed: 5 variant alleles.
Comment: CACNA1I: BS2

PreventionGenetics, part of Exact Sciences
Classification: Benign for CACNA1I-related condition. Last evaluated: 2024-10-28. Review status: criteria provided, single submitter. Criteria: ACMG Guidelines, 2015. Collection method: clinical testing. Allele origin: germline.
Comment: This variant is classified as benign based on ACMG/AMP sequence variant interpretation guidelines (Richards et al. 2015 PMID: 25741868, with internal and published modifications).